The following is an entry in ClinVar:

NM_000088.4(COL1A1):c.1768-18A>C

Gene: COL1A1 (collagen type I alpha 1 chain; minus strand). Cytogenetic location: 17q21.33.
Variant type: single nucleotide variant.
Coding change: c.1768-18A>C on transcript NM_000088.4 (MANE Select); 18 bases into the intron before coding-DNA position 1768, A replaced by C.
Molecular consequence: intron variant.
Genome position (GRCh38, 1-based): chr17:50,193,065, T>G on the plus strand (A>C on the coding strand, the complement: COL1A1 is on the minus strand). VCF-style: chr17-50193065-T-G. GRCh37 (hg19) VCF-style: chr17-48270426-T-G.
Identifiers: ClinVar variation 509954 (VCV000509954.1), dbSNP rs767179998, ClinGen allele CA8645110.

ClinVar aggregate classification (germline): Likely benign (1 of 4 stars; one submission).

Allele frequency attached by ClinVar (database versions not stated): gnomAD exomes below 0.00001 and 0.00001; ExAC 0.00001.
gnomAD v4.1: 7 of 1,613,258 alleles (0.00043%); highest among the groups gnomAD compares: Middle Eastern, 0.033%; no homozygotes.

Submission:

GeneDx
Classification: Likely benign. Last evaluated: 2017-06-01. Review status: criteria provided, single submitter. Criteria: GeneDx Variant Classification (06012015). Collection method: clinical testing. Allele origin: germline. Affected: yes.
Comment: This variant is considered likely benign or benign based on one or more of the following criteria: it is a conservative change, it occurs at a poorly conserved position in the protein, it is predicted to be benign by multiple in silico algorithms, and/or has population frequency not consistent with disease.